The following is an entry in ClinVar:

ClinVar aggregate classification (germline): Uncertain significance (1 of 4 stars; one submission).

Conditions:
Inborn genetic diseases. Identifiers: MedGen C0950123, MeSH D030342.

gnomAD v4.1: 5 of 1,612,978 alleles (0.00031%); highest among the groups gnomAD compares: East Asian, 0.0089%; no homozygotes.

Submission:

Ambry Genetics
Classification: Uncertain significance for Inborn genetic diseases. Last evaluated: 2025-02-08. Review status: criteria provided, single submitter. Criteria: Ambry Variant Classification Scheme 2023. Collection method: clinical testing. Allele origin: germline.
Comment: The p.C839F variant (also known as c.2516G>T), located in coding exon 1 of the SAMD9L gene, results from a G to T substitution at nucleotide position 2516. The cysteine at codon 839 is replaced by phenylalanine, an amino acid with highly dissimilar properties. This amino acid position is conserved. In addition, the in silico prediction for this alteration is inconclusive. Based on the available evidence, the clinical significance of this variant remains unclear.

NM_152703.5(SAMD9L):c.2516G>T (p.Cys839Phe)

Gene: SAMD9L (sterile alpha motif domain containing 9 like; minus strand). Cytogenetic location: 7q21.2.
Variant type: single nucleotide variant.
Coding change: c.2516G>T on transcript NM_152703.5 (MANE Select); coding-DNA position 2516, G replaced by T.
Protein change: p.Cys839Phe; replaces cysteine 839 with phenylalanine.
Molecular consequence: missense variant.
Genome position (GRCh38, 1-based): chr7:93,133,456, C>A on the plus strand (G>T on the coding strand, the complement: SAMD9L is on the minus strand). VCF-style: chr7-93133456-C-A. GRCh37 (hg19) VCF-style: chr7-92762769-C-A.
Other names: c.2516G>T, p.Cys839Phe (NM_001303496.3, NM_001303497.3, NM_001303498.3 and 5 more transcripts); short protein forms C839F.
Identifiers: ClinVar variation 3792398 (VCV003792398.1).